The following is an entry in ClinVar:

ClinVar aggregate classification (germline): Likely benign. Review status: criteria provided, multiple submitters, no conflicts (2 of 4 stars). 4 submissions from 4 submitters: Likely benign (3). 1 of the submissions does not count toward it. Last evaluated 2025-10-11.

Conditions:
Dextro-looped transposition of the great arteries. Also called: Dextrotransposition of the great arteries. Identifiers: Orphanet 860, MedGen C3531771, MONDO:0019443, OMIM 608808, HP:0031348.
MED13L-related disorder. Also called: MED13L-related condition.

Allele frequency attached by ClinVar (database versions not stated): gnomAD 0.00001; gnomAD exomes 0.00003; ExAC 0.00004; TOPMed 0.00004.
gnomAD v4.1: 48 of 1,613,784 alleles (0.003%); highest among the groups gnomAD compares: Non-Finnish European, 0.0033%; no homozygotes.

Submissions (4):

Labcorp Genetics (formerly Invitae), Labcorp
Classification: Likely benign for Dextro-looped transposition of the great arteries. Last evaluated: 2025-10-11. Review status: criteria provided, single submitter. Criteria: Invitae Variant Classification Sherloc (09022015). Collection method: clinical testing. Allele origin: germline.

Blueprint Genetics
Classification: Likely benign. Last evaluated: 2024-11-04. Review status: criteria provided, single submitter. Criteria: ACMG Guidelines, 2015. Collection method: clinical testing. Allele origin: germline.

CeGaT Center for Human Genetics Tuebingen
Classification: Likely benign. Last evaluated: 2024-10-01. Review status: criteria provided, single submitter. Criteria: CeGaT Center For Human Genetics Tuebingen Variant Classification Criteria Version 2. Collection method: clinical testing. Allele origin: germline. Affected: yes. Observed: 5 variant alleles.
Comment: MED13L: BP4, BP7

PreventionGenetics, part of Exact Sciences
Classification: Likely benign for MED13L-related condition. Last evaluated: 2024-03-05. Review status: no assertion criteria provided. Collection method: clinical testing. Allele origin: germline. Not counted in ClinVar's aggregate classification.
Comment: This variant is classified as likely benign based on ACMG/AMP sequence variant interpretation guidelines (Richards et al. 2015 PMID: 25741868, with internal and published modifications).

NM_015335.5(MED13L):c.3207A>G (p.Gln1069=)

Gene: MED13L (mediator complex subunit 13L; minus strand). Cytogenetic location: 12q24.21.
Variant type: single nucleotide variant.
Coding change: c.3207A>G on transcript NM_015335.5 (MANE Select); coding-DNA position 3207, A replaced by G.
Protein change: p.Gln1069=; no amino-acid change (glutamine 1069 retained).
Molecular consequence: synonymous variant.
Genome position (GRCh38, 1-based): chr12:115,991,747, T>C on the plus strand (A>G on the coding strand, the complement: MED13L is on the minus strand). VCF-style: chr12-115991747-T-C. GRCh37 (hg19) VCF-style: chr12-116429552-T-C.
Other names: c.3207A>G (NM_015335.4).
Identifiers: ClinVar variation 1966133 (VCV001966133.31), dbSNP rs761547177, ClinGen allele CA6811017.
Genomic context (GRCh38, chr12:115,991,747, plus strand): 5'-TGTAGTAGAGGGGGTGGAGGCTGGTGATCCTTGATCGGTGCTATCATACTTAACAGACCC[T>C]TGACCACTGGCAGTGCCCCCACCTCTGGGAGTTCTTGGGGTCCTGGGGGTTCGTGGTGTG-3'
Protein context (NP_056150.1, residues 1059-1079): TPRGGGTASG[Gln1069=]GSVKYDSTDQ